The following is an entry in ClinVar:

ClinVar aggregate classification (germline): Uncertain significance (1 of 4 stars; one submission).

Allele frequency attached by ClinVar (database versions not stated): TOPMed below 0.00001; gnomAD 0.00001; gnomAD exomes 0.00001.
gnomAD v4.1: 16 of 1,613,856 alleles (0.00099%); highest among the groups gnomAD compares: African/African-American, 0.0013%; no homozygotes.

Submission:

Labcorp Genetics (formerly Invitae), Labcorp
Classification: Uncertain significance. Last evaluated: 2023-10-22. Review status: criteria provided, single submitter. Criteria: Invitae Variant Classification Sherloc (09022015). Collection method: clinical testing. Allele origin: germline.
Comment: This sequence change replaces proline, which is neutral and non-polar, with leucine, which is neutral and non-polar, at codon 364 of the COL4A4 protein (p.Pro364Leu). This variant is present in population databases (no rsID available, gnomAD 0.0009%). This variant has not been reported in the literature in individuals affected with COL4A4-related conditions. Advanced modeling of protein sequence and biophysical properties (such as structural, functional, and spatial information, amino acid conservation, physicochemical variation, residue mobility, and thermodynamic stability) performed at Invitae indicates that this missense variant is not expected to disrupt COL4A4 protein function. In summary, the available evidence is currently insufficient to determine the role of this variant in disease. Therefore, it has been classified as a Variant of Uncertain Significance.

NM_000092.5(COL4A4):c.1091C>T (p.Pro364Leu)

Gene: COL4A4 (collagen type IV alpha 4 chain; minus strand). Cytogenetic location: 2q36.3.
Variant type: single nucleotide variant.
Coding change: c.1091C>T on transcript NM_000092.5 (MANE Select); coding-DNA position 1091, C replaced by T.
Protein change: p.Pro364Leu; replaces proline 364 with leucine.
Molecular consequence: missense variant.
Genome position (GRCh38, 1-based): chr2:227,099,628, G>A on the plus strand (C>T on the coding strand, the complement: COL4A4 is on the minus strand). VCF-style: chr2-227099628-G-A. GRCh37 (hg19) VCF-style: chr2-227964344-G-A.
Other names: short protein forms P364L.
Identifiers: ClinVar variation 2911064 (VCV002911064.3), dbSNP rs1282280651, ClinGen allele CA350854662.